The following is an entry in ClinVar:

NM_001349253.2(SCN11A):c.4628G>A (p.Cys1543Tyr)

Gene: SCN11A (sodium voltage-gated channel alpha subunit 11; minus strand). Cytogenetic location: 3p22.2.
Variant type: single nucleotide variant.
Coding change: c.4628G>A on transcript NM_001349253.2 (MANE Select); coding-DNA position 4628, G replaced by A.
Protein change: p.Cys1543Tyr; replaces cysteine 1543 with tyrosine.
Molecular consequence: missense variant.
Genome position (GRCh38, 1-based): chr3:38,847,442, C>T on the plus strand (G>A on the coding strand, the complement: SCN11A is on the minus strand). VCF-style: chr3-38847442-C-T. GRCh37 (hg19) VCF-style: chr3-38888933-C-T.
Other names: c.4628G>A, p.Cys1543Tyr (NM_014139.3); short protein forms C1543Y.
Identifiers: ClinVar variation 701958 (VCV000701958.14), dbSNP rs151155193, ClinGen allele CA2321481.
Genomic context (GRCh38, chr3:38,847,442, plus strand): 5'-GATCGCAGCATGGGGCTGAGCAGGGAATCCCAACCTGCTGATGTGCTTATCTGGAAGAGA[C>T]AGAGCATGCTGCTGGCAAAAGTCTTGAAGTTGAATATGTCATCGATTCCAGACTCTGGAT-3'
Protein context (NP_001336182.1, residues 1533-1553): NFKTFASSML[Cys1543Tyr]LFQISTSAGW

ClinVar aggregate classification (germline): Likely benign. Review status: criteria provided, multiple submitters, no conflicts (2 of 4 stars). 5 submissions from 5 submitters: Likely benign (4). 1 of the submissions does not count toward it. Last evaluated 2026-09-14.

Conditions:
Familial episodic pain syndrome with predominantly lower limb involvement. Also called: Episodic pain syndrome, familial, 3. Identifiers: Orphanet 391384, Orphanet 391392, MedGen C3809899, MONDO:0014247, OMIM 615552.
Hereditary sensory and autonomic neuropathy type 7. Also called: HSAN VII; Neuropathy, hereditary sensory and autonomic, type VII. Identifiers: Orphanet 391397, MedGen C3809882, MONDO:0014244, OMIM 615548.
Inborn genetic diseases. Identifiers: MedGen C0950123, MeSH D030342.
Sensory neuropathy. Identifiers: MedGen C0151313, MONDO:0002321, HP:0000763.
SCN11A-related disorder. Also called: SCN11A-related condition.

Allele frequency attached by ClinVar (database versions not stated): ESP Exome Variant Server 0.00015; gnomAD 0.00020; TOPMed 0.00028; 1000 Genomes Project 30x 0.00031; 1000 Genomes Project 0.00040.
gnomAD v4.1: 68 of 1,614,170 alleles (0.0042%); highest among the groups gnomAD compares: African/African-American, 0.08%; no homozygotes.

Submissions (5):

PreventionGenetics, part of Exact Sciences
Classification: Likely benign for SCN11A-related condition. Last evaluated: 2026-09-14. Review status: criteria provided, single submitter. Criteria: ACMG Guidelines, 2015. Collection method: clinical testing. Allele origin: germline.
Comment: This variant is classified as likely benign based on ACMG/AMP sequence variant interpretation guidelines (Richards et al. 2015 PMID: 25741868, with internal and published modifications).

Women's Health and Genetics/Laboratory Corporation of America, LabCorp
Classification: Likely benign. Last evaluated: 2026-05-08. Review status: criteria provided, single submitter. Criteria: LabCorp Variant Classification Summary - May 2015. Collection method: clinical testing. Allele origin: germline.

Labcorp Genetics (formerly Invitae), Labcorp
Classification: Likely benign for Familial episodic pain syndrome with predominantly lower limb involvement; Hereditary sensory and autonomic neuropathy type 7. Last evaluated: 2024-11-24. Review status: criteria provided, single submitter. Criteria: Invitae Variant Classification Sherloc (09022015). Collection method: clinical testing. Allele origin: germline.

Ambry Genetics
Classification: Likely benign for Inborn genetic diseases. Last evaluated: 2020-03-05. Review status: criteria provided, single submitter. Criteria: Ambry Variant Classification Scheme 2023. Collection method: clinical testing. Allele origin: germline.

NIHR Bioresource Rare Diseases, University of Cambridge
Classification: Likely pathogenic for Sensory neuropathy. Review status: no assertion criteria provided. Collection method: research. Allele origin: unknown. Affected: yes. Observed: 1 variant allele. Not counted in ClinVar's aggregate classification.

Literature cited by the submitters: PubMed 32581362 (cited by NIHR Bioresource Rare Diseases, University of Cambridge).